The following is an entry in ClinVar:

NM_001142864.4(PIEZO1):c.7522C>T (p.Arg2508Cys)

Gene: PIEZO1 (piezo type mechanosensitive ion channel component 1 (Er blood group); minus strand). Cytogenetic location: 16q24.3.
Variant type: single nucleotide variant.
Coding change: c.7522C>T on transcript NM_001142864.4 (MANE Select); coding-DNA position 7522, C replaced by T.
Protein change: p.Arg2508Cys; replaces arginine 2508 with cysteine.
Molecular consequence: missense variant.
Genome position (GRCh38, 1-based): chr16:88,715,649, G>A on the plus strand (C>T on the coding strand, the complement: PIEZO1 is on the minus strand). VCF-style: chr16-88715649-G-A. GRCh37 (hg19) VCF-style: chr16-88782057-G-A.
Other names: p.Arg2508Cys; short protein forms R2508C.
Identifiers: ClinVar variation 4542082 (VCV004542082.1).

ClinVar aggregate classification (germline): Uncertain significance (1 of 4 stars; one submission).

Submission:

Mayo Clinic Laboratories, Mayo Clinic
Classification: Uncertain significance. Last evaluated: 2025-07-15. Review status: criteria provided, single submitter. Criteria: ACMG Guidelines, 2015. Collection method: clinical testing. Allele origin: germline. Observed: 1 variant allele.
Comment: PP3_strong, PM2_supporting